The following is an entry in ClinVar:

ClinVar aggregate classification (germline): Benign (0 of 4 stars; one submission).

Conditions:
NTRK3-related disorder. Also called: NTRK3-related condition.

Allele frequency attached by ClinVar (database versions not stated): 1000 Genomes Project 30x 0.00016; 1000 Genomes Project 0.00020; gnomAD exomes 0.00039; TOPMed 0.00046; gnomAD 0.00053; ExAC 0.00066; ESP Exome Variant Server 0.00077.
gnomAD v4.1: 706 of 1,614,108 alleles (0.044%); highest among the groups gnomAD compares: Middle Eastern, 0.21%; 1 homozygote.

Submission:

PreventionGenetics, part of Exact Sciences
Classification: Benign for NTRK3-related condition. Last evaluated: 2019-11-12. Review status: no assertion criteria provided. Collection method: clinical testing. Allele origin: germline.
Comment: This variant is classified as benign based on ACMG/AMP sequence variant interpretation guidelines (Richards et al. 2015 PMID: 25741868, with internal and published modifications).

NM_001012338.3(NTRK3):c.1933C>T (p.Arg645Cys)

Gene: NTRK3 (neurotrophic receptor tyrosine kinase 3; minus strand). Cytogenetic location: 15q25.3.
Variant type: single nucleotide variant.
Coding change: c.1933C>T on transcript NM_001012338.3 (MANE Select); coding-DNA position 1933, C replaced by T.
Protein change: p.Arg645Cys; replaces arginine 645 with cysteine.
Molecular consequence: missense variant.
Genome position (GRCh38, 1-based): chr15:87,929,391, G>A on the plus strand (C>T on the coding strand, the complement: NTRK3 is on the minus strand). VCF-style: chr15-87929391-G-A. GRCh37 (hg19) VCF-style: chr15-88472622-G-A.
Other names: c.1933C>T, p.Arg645Cys (NM_001007155.1, NM_001375810.1, NM_001375811.1 and 1 more transcripts); c.1909C>T, p.Arg637Cys (NM_001243101.2, NM_001375812.1); c.1639C>T, p.Arg547Cys (NM_001320135.2); short protein forms R547C, R637C, R645C.
Identifiers: ClinVar variation 3050423 (VCV003050423.2), dbSNP rs139392904, ClinGen allele CA7716631.